The following is an entry in ClinVar:

NM_000355.4(TCN2):c.776G>C (p.Arg259Pro)

Gene: TCN2 (transcobalamin 2; plus strand). Cytogenetic location: 22q12.2.
Variant type: single nucleotide variant.
Coding change: c.776G>C on transcript NM_000355.4 (MANE Select); coding-DNA position 776, G replaced by C.
Protein change: p.Arg259Pro; replaces arginine 259 with proline.
Molecular consequence: missense variant.
Genome position (GRCh38, 1-based): chr22:30,615,623, G>C. VCF-style: chr22-30615623-G-C. GRCh37 (hg19) VCF-style: chr22-31011610-G-C.
Other names: P259R; c.695G>C, p.Arg232Pro (NM_001184726.2); short protein forms R232P, R259P.
Identifiers: ClinVar variation 97 (VCV000000097.40), dbSNP rs1801198, ClinGen allele CA113848.

ClinVar aggregate classification (germline): Benign/Likely benign. Review status: criteria provided, multiple submitters, no conflicts (2 of 4 stars). 11 submissions from 11 submitters: Benign (9); Likely benign (1). 1 of the submissions does not count toward it. Last evaluated 2026-02-04.

Conditions:
TCN2 POLYMORPHISM.
Transcobalamin II deficiency (TCN2D). Also called: Transcolabamin II deficiency; TC II DEFICIENCY; TCN2 DEFICIENCY. Identifiers: Orphanet 859, MedGen C0342701, MONDO:0010149, OMIM 275350.

Allele frequency attached by ClinVar (database versions not stated): 1000 Genomes Project 30x 0.57901; 1000 Genomes Project 0.57967; TOPMed 0.62827; gnomAD 0.63049.
gnomAD v4.1: 906,182 of 1,613,732 alleles (56%); highest among the groups gnomAD compares: African/African-American, 77%; 258,781 homozygotes.

Submissions (11):

Labcorp Genetics (formerly Invitae), Labcorp
Classification: Benign for Transcobalamin II deficiency. Last evaluated: 2026-02-04. Review status: criteria provided, single submitter. Criteria: Invitae Variant Classification Sherloc (09022015). Collection method: clinical testing. Allele origin: germline.

Mayo Clinic Laboratories, Mayo Clinic
Classification: Benign. Last evaluated: 2025-07-29. Review status: criteria provided, single submitter. Criteria: ACMG Guidelines, 2015. Collection method: clinical testing. Allele origin: germline. Observed: 128 variant alleles.
Comment: BA1, BP4

ARUP Laboratories, Molecular Genetics and Genomics, ARUP Laboratories
Classification: Benign for Transcobalamin II deficiency. Last evaluated: 2025-07-10. Review status: criteria provided, single submitter. Criteria: ARUP Molecular Germline Variant Investigation Process 2024. Collection method: clinical testing. Allele origin: germline.

Blueprint Genetics
Classification: Likely benign. Last evaluated: 2024-11-28. Review status: criteria provided, single submitter. Criteria: ACMG Guidelines, 2015. Collection method: clinical testing. Allele origin: germline.

Genome-Nilou Lab
Classification: Benign for Transcobalamin II deficiency. Last evaluated: 2021-07-15. Review status: criteria provided, single submitter. Criteria: ACMG Guidelines, 2015. Collection method: clinical testing. Allele origin: germline. Affected: no.

Mendelics
Classification: Benign for Transcobalamin II deficiency. Last evaluated: 2019-05-28. Review status: criteria provided, single submitter. Criteria: Mendelics Assertion Criteria 2017. Collection method: clinical testing. Allele origin: unknown.

GeneDx
Classification: Benign. Last evaluated: 2018-07-25. Review status: criteria provided, single submitter. Criteria: GeneDx Variant Classification Process June 2021. Collection method: clinical testing. Allele origin: germline. Affected: yes.
Comment: This variant is associated with the following publications: (PMID: 12091374, 21975197, 14680986, 19353223, 12107818, 19936946, 22794911, 23099805)

Illumina Laboratory Services, Illumina
Classification: Benign for Transcobalamin II deficiency. Last evaluated: 2018-03-06. Review status: criteria provided, single submitter. Criteria: ICSL Variant Classification Criteria 13 December 2019. Collection method: clinical testing. Allele origin: germline.
Comment: This variant was observed in the ICSL laboratory as part of a predisposition screen in an ostensibly healthy population. It had not been previously curated by ICSL or reported in the Human Gene Mutation Database (HGMD: prior to June 1st, 2018), and was therefore a candidate for classification through an automated scoring system. Utilizing variant allele frequency, disease prevalence and penetrance estimates, and inheritance mode, an automated score was calculated to assess if this variant is too frequent to cause the disease. Based on the score and internal cut-off values, a variant classified as benign is not then subjected to further curation. The score for this variant resulted in a classification of benign for this disease.

Laboratory for Molecular Medicine, Mass General Brigham Personalized Medicine
Classification: Benign. Last evaluated: 2016-03-28. Review status: criteria provided, single submitter. Criteria: LMM Criteria. Collection method: clinical testing. Allele origin: germline.
Comment: Variant identified in a genome or exome case(s) and assessed due to predicted null impact of the variant or pathogenic assertions in the literature or databases. Disclaimer: This variant has not undergone full assessment. The following are preliminary notes: Frequency

Breakthrough Genomics
Classification: Benign. Review status: criteria provided, single submitter. Criteria: ACMG Guidelines, 2015. Collection method: not provided. Allele origin: germline. Inheritance: Autosomal recessive inheritance. Affected: yes.

OMIM
Classification: Benign for TCN2 POLYMORPHISM. Last evaluated: 2007-06-01. Review status: no assertion criteria provided. Collection method: literature only. Allele origin: germline. Not counted in ClinVar's aggregate classification.

Literature cited by the submitters: PubMed 12091374 (cited by OMIM); PubMed 12707225 (cited by OMIM); PubMed 17220211 (cited by OMIM).